The following is an entry in ClinVar:

ClinVar aggregate classification (germline): Likely benign. Review status: criteria provided, multiple submitters, no conflicts (2 of 4 stars). 3 submissions from 3 submitters: Likely benign (3). Last evaluated 2026-01-18.

Allele frequency attached by ClinVar (database versions not stated): TOPMed 0.00006; ExAC 0.00007; gnomAD exomes 0.00007.
gnomAD v4.1: 102 of 1,614,178 alleles (0.0063%); highest among the groups gnomAD compares: Middle Eastern, 0.48%; no homozygotes.

Submissions (3):

Labcorp Genetics (formerly Invitae), Labcorp
Classification: Likely benign. Last evaluated: 2026-01-18. Review status: criteria provided, single submitter. Criteria: Invitae Variant Classification Sherloc (09022015). Collection method: clinical testing. Allele origin: germline.

CeGaT Center for Human Genetics Tuebingen
Classification: Likely benign. Last evaluated: 2022-04-01. Review status: criteria provided, single submitter. Criteria: CeGaT Center For Human Genetics Tuebingen Variant Classification Criteria Version 2. Collection method: clinical testing. Allele origin: germline. Affected: yes. Observed: 1 variant allele.
Comment: TNFRSF11A: BP4, BP7

Breakthrough Genomics
Classification: Likely benign. Review status: criteria provided, single submitter. Criteria: ACMG Guidelines, 2015. Collection method: not provided. Allele origin: germline. Inheritance: Autosomal recessive inheritance. Affected: yes.

NM_003839.4(TNFRSF11A):c.1140G>A (p.Val380=)

Gene: TNFRSF11A (TNF receptor superfamily member 11a; plus strand). Cytogenetic location: 18q21.33.
Variant type: single nucleotide variant.
Coding change: c.1140G>A on transcript NM_003839.4 (MANE Select); coding-DNA position 1140, G replaced by A.
Protein change: p.Val380=; no amino-acid change (valine 380 retained).
Molecular consequence: synonymous variant. On other transcripts: intron variant (3).
Genome position (GRCh38, 1-based): chr18:62,369,057, G>A. VCF-style: chr18-62369057-G-A. GRCh37 (hg19) VCF-style: chr18-60036290-G-A.
Other names: c.1098G>A, p.Val366= (NM_001278268.2); c.783+2297G>A (NM_001270949.2); c.730+7264G>A (NM_001270950.2); c.616+9008G>A (NM_001270951.2).
Identifiers: ClinVar variation 1094417 (VCV001094417.32), dbSNP rs771493139, ClinGen allele CA8983923.